The following is an entry in ClinVar:

NM_001166108.2(PALLD):c.206G>C (p.Ser69Thr)

Gene: PALLD (palladin, cytoskeletal associated protein; plus strand). Cytogenetic location: 4q32.3.
Variant type: single nucleotide variant.
Coding change: c.206G>C on transcript NM_001166108.2 (MANE Select); coding-DNA position 206, G replaced by C.
Protein change: p.Ser69Thr; replaces serine 69 with threonine.
Molecular consequence: missense variant.
Genome position (GRCh38, 1-based): chr4:168,511,710, G>C. VCF-style: chr4-168511710-G-C. GRCh37 (hg19) VCF-style: chr4-169432861-G-C.
Other names: c.206G>C, p.Ser69Thr (NM_016081.4); short protein forms S69T.
Identifiers: ClinVar variation 1785357 (VCV001785357.2), dbSNP rs753135522, ClinGen allele CA3135318.

ClinVar aggregate classification (germline): Uncertain significance (1 of 4 stars; one submission).

Allele frequency attached by ClinVar (database versions not stated): ExAC 0.00001; gnomAD 0.00001; TOPMed 0.00001.
gnomAD v4.1: 2 of 1,614,062 alleles (0.00012%); highest among the groups gnomAD compares: Admixed American, 0.0017%; no homozygotes.

Submission:

Ambry Genetics
Classification: Uncertain significance. Last evaluated: 2022-06-21. Review status: criteria provided, single submitter. Criteria: Ambry Variant Classification Scheme 2023. Collection method: clinical testing. Allele origin: germline.
Comment: The p.S69T variant (also known as c.206G>C), located in coding exon 1 of the PALLD gene, results from a G to C substitution at nucleotide position 206. The serine at codon 69 is replaced by threonine, an amino acid with similar properties. This amino acid position is conserved. In addition, this alteration is predicted to be tolerated by in silico analysis. Since supporting evidence is limited at this time, the clinical significance of this alteration remains unclear.